The following is an entry in ClinVar:

NM_001283009.2(RTEL1):c.1583C>A (p.Ala528Glu)

Genes: RTEL1-TNFRSF6B (RTEL1-TNFRSF6B readthrough (NMD candidate); plus strand), RTEL1 (regulator of telomere elongation helicase 1; plus strand). Cytogenetic location: 20q13.33.
Variant type: single nucleotide variant.
Coding change: c.1583C>A on transcript NM_001283009.2 (MANE Select); coding-DNA position 1583, C replaced by A.
Protein change: p.Ala528Glu; replaces alanine 528 with glutamic acid.
Molecular consequence: missense variant. On other transcripts: non-coding transcript variant (1).
Genome position (GRCh38, 1-based): chr20:63,688,038, C>A. VCF-style: chr20-63688038-C-A. GRCh37 (hg19) VCF-style: chr20-62319391-C-A.
Other names: p.Ala552Glu; c.914C>A, p.Ala305Glu (NM_001283010.1); c.1583C>A, p.Ala528Glu (NM_016434.4); c.1655C>A, p.Ala552Glu (NM_032957.5); short protein forms A528E, A552E, A305E.
Identifiers: ClinVar variation 473906 (VCV000473906.9), dbSNP rs760398738, ClinGen allele CA9964845.
Genomic context (GRCh38, chr20:63,688,038, plus strand): 5'-AGCACCAGATCTGGGTGGGGGTCGTCCCCAGAGGCCCCGATGGAGCCCAGTTGAGCTCCG[C>A]GTTTGACAGACGGTGAGGGCCTGTCCCTGGGCCCTGCTGGGGTGGGAGGTGGGGGAGCAC-3'
Protein context (NP_001269938.1, residues 518-538): RGPDGAQLSS[Ala528Glu]FDRRFSEECL

ClinVar aggregate classification (germline): Uncertain significance. Review status: criteria provided, multiple submitters, no conflicts (2 of 4 stars). 4 submissions from 4 submitters: Uncertain significance (3). 1 of the submissions does not count toward it. Last evaluated 2024-10-29.

Conditions:
Dyskeratosis congenita. Identifiers: Orphanet 1775, MedGen C0265965, MONDO:0015780.
Dyskeratosis congenita, autosomal recessive 5 (DKCB5). Identifiers: MedGen C3554656, MONDO:0014076, OMIM 615190.
Pulmonary fibrosis and/or bone marrow failure, Telomere-related, 3. Also called: PULMONARY FIBROSIS AND/OR BONE MARROW FAILURE SYNDROME, TELOMERE-RELATED, 3. Identifiers: Orphanet 2032, MedGen C4225346, MONDO:0014613, OMIM 616373.

gnomAD v4.1: 14 of 1,612,678 alleles (0.00087%); highest among the groups gnomAD compares: South Asian, 0.011%; no homozygotes.

Submissions (4):

Labcorp Genetics (formerly Invitae), Labcorp
Classification: Uncertain significance for Dyskeratosis congenita, autosomal recessive 5; Pulmonary fibrosis and/or bone marrow failure, Telomere-related, 3. Last evaluated: 2024-10-29. Review status: criteria provided, single submitter. Criteria: Invitae Variant Classification Sherloc (09022015). Collection method: clinical testing. Allele origin: germline.
Comment: This sequence change replaces alanine, which is neutral and non-polar, with glutamic acid, which is acidic and polar, at codon 552 of the RTEL1 protein (p.Ala552Glu). This variant is present in population databases (rs760398738, gnomAD 0.01%). This missense change has been observed in individual(s) with pulmonary fibrosis (PMID: 29891356). ClinVar contains an entry for this variant (Variation ID: 473906). An algorithm developed to predict the effect of missense changes on protein structure and function (PolyPhen-2) suggests that this variant is likely to be disruptive. In summary, the available evidence is currently insufficient to determine the role of this variant in disease. Therefore, it has been classified as a Variant of Uncertain Significance.

Mayo Clinic Laboratories, Mayo Clinic
Classification: Uncertain significance. Last evaluated: 2023-02-15. Review status: criteria provided, single submitter. Criteria: ACMG Guidelines, 2015. Collection method: clinical testing. Allele origin: germline. Observed: 1 variant allele.

GeneDx
Classification: Uncertain significance. Last evaluated: 2020-04-21. Review status: criteria provided, single submitter. Criteria: GeneDx Variant Classification Process June 2021. Collection method: clinical testing. Allele origin: germline. Affected: yes.
Comment: In silico analysis supports that this missense variant has a deleterious effect on protein structure/function; Has not been previously published as pathogenic or benign to our knowledge

Natera, Inc.
Classification: Uncertain significance for Dyskeratosis congenita. Last evaluated: 2020-08-24. Review status: no assertion criteria provided. Collection method: clinical testing. Allele origin: germline. Not counted in ClinVar's aggregate classification.

Literature cited by the submitters: PubMed 29891356 (cited by Labcorp Genetics (formerly Invitae), Labcorp and Mayo Clinic Laboratories, Mayo Clinic); PubMed 29361909 (cited by Mayo Clinic Laboratories, Mayo Clinic); PubMed 36622818 (cited by Mayo Clinic Laboratories, Mayo Clinic).